The following is an entry in ClinVar:

NM_000169.3(GLA):c.758TTG[1] (p.Val254del)

Genes: GLA (galactosidase alpha; minus strand), RPL36A-HNRNPH2 (RPL36A-HNRNPH2 readthrough; plus strand). Cytogenetic location: Xq22.1.
Variant type: Microsatellite.
Coding change: c.758TTG[1] on transcript NM_000169.3 (MANE Select); one copy of the 3-base unit TTG starting at c.758; the reference has two copies in a row; one copy, 3 bases deleted; also written c.761_763del.
Protein change: p.Val254del; deletes valine 254.
Molecular consequence: inframe deletion. On other transcripts: non-coding transcript variant (3), intron variant (2).
Genome position (GRCh38, 1-based): chrX:101,398,823-101,398,825, CAA deleted on the plus strand (TTG on the coding strand, the reverse complement: GLA is on the minus strand); deleting any 3 consecutive bases within chrX:101,398,823-101,398,828 gives the same sequence; the position shown is the placement nearest the transcript's 3' end. VCF-style (leftmost placement, unchanged base first): chrX-101398822-TCAA-T. GRCh37 (hg19) VCF-style: chrX-100653810-TCAA-T.
Other names: c.881TTG[1], p.Val295del (NM_001406747.1); c.758TTG[1], p.Val254del (NM_001406748.1); c.300+3369_300+3371del (NM_001199973.2); c.177+7004_177+7006del (NM_001199974.2); c.761_763del (NM_000169.3); short protein forms V295del, V254del.
Identifiers: ClinVar variation 2138665 (VCV002138665.6), dbSNP rs2520869573, ClinGen allele CA2580612329.

ClinVar aggregate classification (germline): Uncertain significance. Review status: criteria provided, multiple submitters, no conflicts (2 of 4 stars). 2 submissions from 2 submitters: Uncertain significance (2). Last evaluated 2026-09-08.

Conditions:
Fabry disease. Also called: Fabry's disease; GLA DEFICIENCY; HEREDITARY DYSTOPIC LIPIDOSIS; ANDERSON-FABRY DISEASE; CERAMIDE TRIHEXOSIDASE DEFICIENCY; Ceramide trihexosidosis. Identifiers: Orphanet 324, MedGen C0002986, MONDO:0010526, OMIM 301500, HP:0001071. Disease mechanism: loss of function, Fabry disease is due to inactivating mutations in the X-linked GLA gene resulting in deficiency of the enzyme Alpha Galactosidase-A..

Submissions (2):

Genomenon, Inc
Classification: Uncertain significance for Fabry disease. Last evaluated: 2026-09-08. Review status: criteria provided, single submitter. Criteria: Genomenon Sequence Variant Interpretation Standards - Updated. Collection method: curation. Allele origin: germline. Affected: yes.
Comment: GLA p.Val254del (c.761_763del) is an in-frame deletion that results in the loss of Valine at codon 254. This variant has been observed in at least one proband with clinical features consistent with Fabry disease (PMID:30988410;32843101;16189631;39766319;31246960). Functional studies have been reported (PMID:27657681). It is absent or not present at a significant frequency in gnomAD. In conclusion, we classify GLA p.Val254del (c.761_763del) as a variant of uncertain significance.

Labcorp Genetics (formerly Invitae), Labcorp
Classification: Uncertain significance for Fabry disease. Last evaluated: 2022-05-19. Review status: criteria provided, single submitter. Criteria: Invitae Variant Classification Sherloc (09022015). Collection method: clinical testing. Allele origin: germline.
Comment: Experimental studies and prediction algorithms are not available or were not evaluated, and the functional significance of this variant is currently unknown. This variant is not present in population databases (gnomAD no frequency). This variant has been observed in individual(s) with clinical features of Fabry disease (PMID: 16189631, 33016649). This variant is also known as 10252_10254 del 3, c.758_760delTTG. In summary, the available evidence is currently insufficient to determine the role of this variant in disease. Therefore, it has been classified as a Variant of Uncertain Significance. This variant, c.761_763del, results in the deletion of 1 amino acid(s) of the GLA protein (p.Val254del), but otherwise preserves the integrity of the reading frame.

Literature cited by the submitters: PubMed 30988410 (cited by Genomenon, Inc); PubMed 32843101 (cited by Genomenon, Inc); PubMed 16189631 (cited by Genomenon, Inc and Labcorp Genetics (formerly Invitae), Labcorp); PubMed 39766319 (cited by Genomenon, Inc); PubMed 31246960 (cited by Genomenon, Inc); PubMed 27657681 (cited by Genomenon, Inc); PubMed 33016649 (cited by Labcorp Genetics (formerly Invitae), Labcorp).